The following is an entry in ClinVar:

NM_152703.5(SAMD9L):c.1205T>C (p.Leu402Pro)

Gene: SAMD9L (sterile alpha motif domain containing 9 like; minus strand). Cytogenetic location: 7q21.2.
Variant type: single nucleotide variant.
Coding change: c.1205T>C on transcript NM_152703.5 (MANE Select); coding-DNA position 1205, T replaced by C.
Protein change: p.Leu402Pro; replaces leucine 402 with proline.
Molecular consequence: missense variant.
Genome position (GRCh38, 1-based): chr7:93,134,767, A>G on the plus strand (T>C on the coding strand, the complement: SAMD9L is on the minus strand). VCF-style: chr7-93134767-A-G. GRCh37 (hg19) VCF-style: chr7-92764080-A-G.
Other names: c.1205T>C, p.Leu402Pro (NM_001303496.3, NM_001303497.3, NM_001303498.3 and 5 more transcripts); short protein forms L402P.
Identifiers: ClinVar variation 3792191 (VCV003792191.1).

ClinVar aggregate classification (germline): Uncertain significance (1 of 4 stars; one submission).

Conditions:
Inborn genetic diseases. Identifiers: MedGen C0950123, MeSH D030342.

Submission:

Ambry Genetics
Classification: Uncertain significance for Inborn genetic diseases. Last evaluated: 2024-12-13. Review status: criteria provided, single submitter. Criteria: Ambry Variant Classification Scheme 2023. Collection method: clinical testing. Allele origin: germline.
Comment: The p.L402P variant (also known as c.1205T>C), located in coding exon 1 of the SAMD9L gene, results from a T to C substitution at nucleotide position 1205. The leucine at codon 402 is replaced by proline, an amino acid with similar properties. This amino acid position is conserved. In addition, the in silico prediction for this alteration is inconclusive. Based on the available evidence, the clinical significance of this variant remains unclear.